The following is an entry in ClinVar:

NM_001382430.1(AKT1):c.122G>A (p.Arg41Gln)

Gene: AKT1 (AKT serine/threonine kinase 1; minus strand). Cytogenetic location: 14q32.33.
Variant type: single nucleotide variant.
Coding change: c.122G>A on transcript NM_001382430.1 (MANE Select); coding-DNA position 122, G replaced by A.
Protein change: p.Arg41Gln; replaces arginine 41 with glutamine.
Molecular consequence: missense variant.
Genome position (GRCh38, 1-based): chr14:104,780,141, C>T on the plus strand (G>A on the coding strand, the complement: AKT1 is on the minus strand). VCF-style: chr14-104780141-C-T. GRCh37 (hg19) VCF-style: chr14-105246478-C-T.
Other names: c.122G>A, p.Arg41Gln (NM_001014431.2, NM_001014432.2, NM_001382431.1 and 3 more transcripts); short protein forms R41Q.
Identifiers: ClinVar variation 955085 (VCV000955085.10), dbSNP rs766000895, ClinGen allele CA7374899.
Genomic context (GRCh38, chr14:104,780,141, plus strand): 5'-TACTTACGCGCCACAGAGAAGTTGTTGAGGGGAGCCTCACGTTGGTCCACATCCTGCGGC[C>T]GCTCCTTGTAGCCAATGAAGGTGCCATCATTCTTGAGGAGGAAGTAGCGTGGCCGCCAGG-3'
Protein context (NP_001369359.1, residues 31-51): NDGTFIGYKE[Arg41Gln]PQDVDQREAP

ClinVar aggregate classification (germline): Uncertain significance. Review status: criteria provided, multiple submitters, no conflicts (2 of 4 stars). 2 submissions from 2 submitters: Uncertain significance (2). Last evaluated 2024-04-11.

Conditions:
Cowden syndrome 6 (CWS6). Identifiers: Orphanet 201, MedGen C3554519, MONDO:0014048, OMIM 615109.
Familial cancer of breast. Also called: Hereditary breast cancer; hereditary breast carcinoma; BREAST CANCER, FAMILIAL. Identifiers: Orphanet 227535, MedGen C0346153, MONDO:0016419, OMIM 114480. Disease mechanism: loss of function.
Proteus syndrome. Also called: PROTEUS SYNDROME, SOMATIC; ELATTOPROTEUS SYNDROME; Macrocephaly mesodermal hamartoma spectrum; GIGANTISM, PARTIAL, OF HANDS AND FEET, NEVI, HEMIHYPERTROPHY, AND MACROCEPHALY; Hemihypertrophy and macrocephaly; Partial gigantism of hands and feet, nevi, hemihypertrophy, macrocephaly. Identifiers: Orphanet 744, MedGen C0085261, MONDO:0008318, OMIM 176920. Disease mechanism: loss of function, gain of function.
Colorectal cancer. Also called: Colorectal cancer, somatic; Malignant Colorectal Neoplasm. Identifiers: MedGen C0346629, MONDO:0005575, OMIM 114500.
Ovarian cancer. Also called: OVARIAN CANCER, SOMATIC. Identifiers: Orphanet 213500, MedGen C1140680, MONDO:0008170, OMIM 167000.

Allele frequency attached by ClinVar (database versions not stated): ExAC 0.00001; gnomAD 0.00001; gnomAD exomes 0.00001; TOPMed 0.00001.
gnomAD v4.1: 8 of 1,613,530 alleles (0.0005%); highest among the groups gnomAD compares: African/African-American, 0.004%; no homozygotes.

Submissions (2):

Fulgent Genetics
Classification: Uncertain significance for Familial cancer of breast; Colorectal cancer; Ovarian cancer; Proteus syndrome; Cowden syndrome 6. Last evaluated: 2024-04-11. Review status: criteria provided, single submitter. Criteria: ACMG Guidelines, 2015. Collection method: clinical testing. Allele origin: germline.

Labcorp Genetics (formerly Invitae), Labcorp
Classification: Uncertain significance for Cowden syndrome 6. Last evaluated: 2022-08-09. Review status: criteria provided, single submitter. Criteria: Invitae Variant Classification Sherloc (09022015). Collection method: clinical testing. Allele origin: germline.
Comment: This variant is present in population databases (rs766000895, gnomAD 0.008%). This sequence change replaces arginine, which is basic and polar, with glutamine, which is neutral and polar, at codon 41 of the AKT1 protein (p.Arg41Gln). In summary, the available evidence is currently insufficient to determine the role of this variant in disease. Therefore, it has been classified as a Variant of Uncertain Significance. Algorithms developed to predict the effect of missense changes on protein structure and function (SIFT, PolyPhen-2, Align-GVGD) all suggest that this variant is likely to be tolerated. ClinVar contains an entry for this variant (Variation ID: 955085). This variant has not been reported in the literature in individuals affected with AKT1-related conditions.